The following is an entry in ClinVar:

ClinVar aggregate classification (germline): Uncertain significance. Review status: criteria provided, multiple submitters, no conflicts (2 of 4 stars). 3 submissions from 3 submitters: Uncertain significance (3). Last evaluated 2024-11-05.

Allele frequency attached by ClinVar (database versions not stated): TOPMed below 0.00001.
gnomAD v4.1: 3 of 1,613,716 alleles (0.00019%); highest among the groups gnomAD compares: South Asian, 0.0011%; no homozygotes.

Submissions (3):

Labcorp Genetics (formerly Invitae), Labcorp
Classification: Uncertain significance. Last evaluated: 2024-11-05. Review status: criteria provided, single submitter. Criteria: Invitae Variant Classification Sherloc (09022015). Collection method: clinical testing. Allele origin: germline.
Comment: This sequence change replaces arginine, which is basic and polar, with tryptophan, which is neutral and slightly polar, at codon 1826 of the CDH23 protein (p.Arg1826Trp). This variant is present in population databases (rs753656026, gnomAD 0.003%). This variant has not been reported in the literature in individuals affected with CDH23-related conditions. ClinVar contains an entry for this variant (Variation ID: 804680). Invitae Evidence Modeling of protein sequence and biophysical properties (such as structural, functional, and spatial information, amino acid conservation, physicochemical variation, residue mobility, and thermodynamic stability) has been performed for this missense variant. However, the output from this modeling did not meet the statistical confidence thresholds required to predict the impact of this variant on CDH23 protein function. In summary, the available evidence is currently insufficient to determine the role of this variant in disease. Therefore, it has been classified as a Variant of Uncertain Significance.

GeneDx
Classification: Uncertain significance. Last evaluated: 2024-01-04. Review status: criteria provided, single submitter. Criteria: GeneDx Variant Classification Process June 2021. Collection method: clinical testing. Allele origin: germline. Affected: yes.
Comment: Not observed at significant frequency in large population cohorts (gnomAD); In silico analysis supports that this missense variant has a deleterious effect on protein structure/function; Has not been previously published as pathogenic or benign to our knowledge

Athena Diagnostics
Classification: Uncertain significance. Last evaluated: 2019-03-04. Review status: criteria provided, single submitter. Criteria: Athena Diagnostics Criteria. Collection method: clinical testing. Allele origin: germline.

NM_022124.6(CDH23):c.5476C>T (p.Arg1826Trp)

Gene: CDH23 (cadherin related 23; plus strand). Cytogenetic location: 10q22.1.
Variant type: single nucleotide variant.
Coding change: c.5476C>T on transcript NM_022124.6 (MANE Select); coding-DNA position 5476, C replaced by T.
Protein change: p.Arg1826Trp; replaces arginine 1826 with tryptophan.
Molecular consequence: missense variant.
Genome position (GRCh38, 1-based): chr10:71,784,394, C>T. VCF-style: chr10-71784394-C-T. GRCh37 (hg19) VCF-style: chr10-73544151-C-T.
Other names: short protein forms R1826W.
Identifiers: ClinVar variation 804680 (VCV000804680.9), dbSNP rs753656026, ClinGen allele CA5545763.